The following is an entry in ClinVar:

NM_015158.5(KANK1):c.1581C>T (p.Val527=)

Gene: KANK1 (KN motif and ankyrin repeat domains 1; plus strand). Cytogenetic location: 9p24.3.
Variant type: single nucleotide variant.
Coding change: c.1581C>T on transcript NM_015158.5 (MANE Select); coding-DNA position 1581, C replaced by T.
Protein change: p.Val527=; no amino-acid change (valine 527 retained).
Molecular consequence: synonymous variant. On other transcripts: non-coding transcript variant (1).
Genome position (GRCh38, 1-based): chr9:712,347, C>T. VCF-style: chr9-712347-C-T. GRCh37 (hg19) VCF-style: chr9-712347-C-T.
Other names: c.1581C>T, p.Val527= (NM_001256876.3, NM_001256877.3, NM_001354331.2 and 2 more transcripts); c.1107C>T, p.Val369= (NM_001354333.2, NM_001354335.2, NM_001354336.2 and 9 more transcripts).
Identifiers: ClinVar variation 3771471 (VCV003771471.13).

ClinVar aggregate classification (germline): Likely benign (1 of 4 stars; one submission).

gnomAD v4.1: 42 of 1,614,032 alleles (0.0026%); highest among the groups gnomAD compares: African/African-American, 0.023%; no homozygotes.

Submission:

CeGaT Center for Human Genetics Tuebingen
Classification: Likely benign. Last evaluated: 2025-02-01. Review status: criteria provided, single submitter. Criteria: CeGaT Center For Human Genetics Tuebingen Variant Classification Criteria Version 2. Collection method: clinical testing. Allele origin: germline. Affected: yes. Observed: 1 variant allele.
Comment: KANK1: BP4, BP7